The following is an entry in ClinVar:

ClinVar aggregate classification (germline): Uncertain significance (1 of 4 stars; one submission).

Conditions:
Pheochromocytoma/paraganglioma syndrome 5. Also called: Paragangliomas 5; SDHA-Related Hereditary Paraganglioma-Pheochromocytoma Syndrome. Identifiers: Orphanet 29072, MedGen C3279992, MONDO:0013602, OMIM 614165.
Mitochondrial complex II deficiency, nuclear type 1. Also called: SUCCINATE CoQ REDUCTASE DEFICIENCY. Identifiers: Orphanet 3208, MedGen C5700310, MONDO:0100294, OMIM 252011.

Submission:

Labcorp Genetics (formerly Invitae), Labcorp
Classification: Uncertain significance for Pheochromocytoma/paraganglioma syndrome 5; Mitochondrial complex II deficiency, nuclear type 1. Last evaluated: 2022-08-25. Review status: criteria provided, single submitter. Criteria: Invitae Variant Classification Sherloc (09022015). Collection method: clinical testing. Allele origin: germline.
Comment: This sequence change affects codon 166 of the SDHA mRNA. It is a 'silent' change, meaning that it does not change the encoded amino acid sequence of the SDHA protein. This variant is not present in population databases (gnomAD no frequency). This variant has not been reported in the literature in individuals affected with SDHA-related conditions. ClinVar contains an entry for this variant (Variation ID: 657263). Algorithms developed to predict the effect of sequence changes on RNA splicing suggest that this variant may create or strengthen a splice site. In summary, the available evidence is currently insufficient to determine the role of this variant in disease. Therefore, it has been classified as a Variant of Uncertain Significance.

NM_004168.4(SDHA):c.498G>T (p.Gly166=)

Gene: SDHA (succinate dehydrogenase complex flavoprotein subunit A; plus strand). Cytogenetic location: 5p15.33.
Variant type: single nucleotide variant.
Coding change: c.498G>T on transcript NM_004168.4 (MANE Select); coding-DNA position 498, G replaced by T.
Protein change: p.Gly166=; no amino-acid change (glycine 166 retained).
Molecular consequence: synonymous variant.
Genome position (GRCh38, 1-based): chr5:225,924, G>T. VCF-style: chr5-225924-G-T. GRCh37 (hg19) VCF-style: chr5-226039-G-T.
Other names: c.354G>T, p.Gly118= (NM_001294332.2); c.498G>T, p.Gly166= (NM_001330758.2).
Identifiers: ClinVar variation 657263 (VCV000657263.9), dbSNP rs1579385582, ClinGen allele CA442691105.